The following is an entry in ClinVar:

NM_000171.4(GLRA1):c.793C>T (p.Leu265Phe)

Gene: GLRA1 (glycine receptor alpha 1; minus strand). Cytogenetic location: 5q33.1.
Variant type: single nucleotide variant.
Coding change: c.793C>T on transcript NM_000171.4 (MANE Select); coding-DNA position 793, C replaced by T.
Protein change: p.Leu265Phe; replaces leucine 265 with phenylalanine.
Molecular consequence: missense variant.
Genome position (GRCh38, 1-based): chr5:151,851,509, G>A on the plus strand (C>T on the coding strand, the complement: GLRA1 is on the minus strand). VCF-style: chr5-151851509-G-A. GRCh37 (hg19) VCF-style: chr5-151231070-G-A.
Other names: c.793C>T, p.Leu265Phe (NM_001146040.2); c.544C>T, p.Leu182Phe (NM_001292000.2); short protein forms L265F, L182F.
Identifiers: ClinVar variation 532833 (VCV000532833.12), dbSNP rs1554083597, ClinGen allele CA361837810.

ClinVar aggregate classification (germline): Uncertain significance. Review status: criteria provided, multiple submitters, no conflicts (2 of 4 stars). 3 submissions from 3 submitters: Uncertain significance (3). Last evaluated 2025-01-10.

Conditions:
Hereditary hyperekplexia. Identifiers: Orphanet 3197, MedGen C4084968, MONDO:0021022.
Inborn genetic diseases. Identifiers: MedGen C0950123, MeSH D030342.

Submissions (3):

Ambry Genetics
Classification: Uncertain significance for Inborn genetic diseases. Last evaluated: 2025-01-10. Review status: criteria provided, single submitter. Criteria: Ambry Variant Classification Scheme 2023. Collection method: clinical testing. Allele origin: germline.

GeneDx
Classification: Uncertain significance. Last evaluated: 2023-11-01. Review status: criteria provided, single submitter. Criteria: GeneDx Variant Classification Process June 2021. Collection method: clinical testing. Allele origin: germline. Affected: yes.
Comment: Not observed at significant frequency in large population cohorts (gnomAD); In silico analysis supports that this missense variant has a deleterious effect on protein structure/function; Has not been previously published as pathogenic or benign to our knowledge

Labcorp Genetics (formerly Invitae), Labcorp
Classification: Uncertain significance for Hereditary hyperekplexia. Last evaluated: 2022-03-01. Review status: criteria provided, single submitter. Criteria: Invitae Variant Classification Sherloc (09022015). Collection method: clinical testing. Allele origin: germline.
Comment: ClinVar contains an entry for this variant (Variation ID: 532833). This variant has not been reported in the literature in individuals affected with GLRA1-related conditions. This variant is not present in population databases (gnomAD no frequency). This sequence change replaces leucine, which is neutral and non-polar, with phenylalanine, which is neutral and non-polar, at codon 265 of the GLRA1 protein (p.Leu265Phe). Advanced modeling of protein sequence and biophysical properties (such as structural, functional, and spatial information, amino acid conservation, physicochemical variation, residue mobility, and thermodynamic stability) performed at Invitae indicates that this missense variant is expected to disrupt GLRA1 protein function. In summary, the available evidence is currently insufficient to determine the role of this variant in disease. Therefore, it has been classified as a Variant of Uncertain Significance.